The following is an entry in ClinVar:

ClinVar aggregate classification (germline): Pathogenic. Review status: criteria provided, multiple submitters, no conflicts (2 of 4 stars). 2 submissions from 2 submitters: Pathogenic (2). Last evaluated 2026-02-11.

Conditions:
Pyknodysostosis. Also called: Pycnodysostosis. Identifiers: Orphanet 763, MedGen C0238402, MONDO:0009940, OMIM 265800.

Allele frequency attached by ClinVar (database versions not stated): ExAC 0.00002; gnomAD exomes 0.00001.

Submissions (2):

Myriad Genetics, Inc.
Classification: Pathogenic for Pyknodysostosis. Last evaluated: 2026-02-11. Review status: criteria provided, single submitter. Criteria: Myriad Autosomal Dominant, Autosomal Recessive and X-Linked Classification Criteria (2023). Collection method: clinical testing. Allele origin: unknown.
Comment: NM_000396.3(CTSK):c.529delT(C177Vfs*6) is expected to be pathogenic in the context of pycnodysostosis. This variant is predicted to lead to an abnormal or absent protein product due to the creation of a premature termination codon in CTSK, a gene where loss-of-function variants are known to be pathogenic. Please note: this variant was assessed in the context of healthy population screening.

Labcorp Genetics (formerly Invitae), Labcorp
Classification: Pathogenic. Last evaluated: 2023-11-24. Review status: criteria provided, single submitter. Criteria: Invitae Variant Classification Sherloc (09022015). Collection method: clinical testing. Allele origin: germline.
Comment: This sequence change creates a premature translational stop signal (p.Cys177Valfs*6) in the CTSK gene. It is expected to result in an absent or disrupted protein product. Loss-of-function variants in CTSK are known to be pathogenic (PMID: 12125807, 21569238). This variant is present in population databases (rs781512523, gnomAD 0.002%). This variant has not been reported in the literature in individuals affected with CTSK-related conditions. For these reasons, this variant has been classified as Pathogenic.

Literature cited by the submitters: PubMed 12125807 (cited by Labcorp Genetics (formerly Invitae), Labcorp); PubMed 21569238 (cited by Labcorp Genetics (formerly Invitae), Labcorp).

NM_000396.4(CTSK):c.529del (p.Cys177fs)

Gene: CTSK (cathepsin K; minus strand). Cytogenetic location: 1q21.3.
Variant type: Deletion.
Coding change: c.529del on transcript NM_000396.4 (MANE Select); coding-DNA position 529, one base deleted (T; older notation c.529delT).
Protein change: p.Cys177fs; shifts the reading frame from cysteine 177.
Molecular consequence: frameshift variant.
Genome position (GRCh38, 1-based): chr1:150,804,110, A deleted on the plus strand (T on the coding strand, the reverse complement: CTSK is on the minus strand). VCF-style (leftmost placement, unchanged base first): chr1-150804109-CA-C. GRCh37 (hg19) VCF-style: chr1-150776585-CA-C.
Other names: short protein forms C177fs.
Identifiers: ClinVar variation 3019488 (VCV003019488.4), dbSNP rs781512523, ClinGen allele CA1080497.